The following is an entry in ClinVar:

ClinVar aggregate classification (germline): Uncertain significance (1 of 4 stars; one submission).

Conditions:
Duchenne muscular dystrophy (DMD). Also called: MUSCULAR DYSTROPHY, PSEUDOHYPERTROPHIC PROGRESSIVE, DUCHENNE TYPE; Duchenne Muscular Dystrophy (DMD). Identifiers: Orphanet 98896, MedGen C0013264, MONDO:0010679, OMIM 310200.

gnomAD v4.1: 1 of 1,197,849 alleles (0.000083%); highest among the groups gnomAD compares: African/African-American, 0.0018%; no homozygotes.

Submission:

Labcorp Genetics (formerly Invitae), Labcorp
Classification: Uncertain significance for Duchenne muscular dystrophy. Last evaluated: 2025-12-27. Review status: criteria provided, single submitter. Criteria: Invitae Variant Classification Sherloc (09022015). Collection method: clinical testing. Allele origin: germline.
Comment: This sequence change falls in intron 51 of the DMD gene. It does not directly change the encoded amino acid sequence of the DMD protein. It affects a nucleotide within the consensus splice site. This variant is not present in population databases (gnomAD no frequency). This variant has not been reported in the literature in individuals affected with DMD-related conditions. Variants that disrupt the consensus splice site are a relatively common cause of aberrant splicing (PMID: 17576681, 9536098). Algorithms developed to predict the effect of sequence changes on RNA splicing suggest that this variant is not likely to affect RNA splicing. In summary, the available evidence is currently insufficient to determine the role of this variant in disease. Therefore, it has been classified as a Variant of Uncertain Significance.

Literature cited by the submitters: PubMed 17576681; PubMed 9536098.

NM_004006.3(DMD):c.7542+5G>C

Gene: DMD (dystrophin; minus strand). Cytogenetic location: Xp21.1.
Variant type: single nucleotide variant.
Coding change: c.7542+5G>C on transcript NM_004006.3 (MANE Select); 5 bases into the intron after coding-DNA position 7542, G replaced by C.
Molecular consequence: intron variant.
Genome position (GRCh38, 1-based): chrX:31,773,955, C>G on the plus strand (G>C on the coding strand, the complement: DMD is on the minus strand). VCF-style: chrX-31773955-C-G. GRCh37 (hg19) VCF-style: chrX-31792072-C-G.
Other names: c.7518+5G>C (NM_000109.4); c.3519+5G>C (NM_004011.4); c.3510+5G>C (NM_004012.4); c.162+5G>C (NM_004023.3, NM_004020.4, NM_004022.3 and 2 more transcripts); c.7530+5G>C (NM_004009.3); c.7173+5G>C (NM_004010.3).
Identifiers: ClinVar variation 4702652 (VCV004702652.1).